The following is an entry in ClinVar:

ClinVar aggregate classification (germline): Conflicting classifications of pathogenicity. Review status: criteria provided, conflicting classifications (1 of 4 stars). 3 submissions from 3 submitters: Uncertain significance (2); Likely benign (1). Last evaluated 2024-10-08.

Conditions:
Granulomatous disease, chronic, autosomal recessive, cytochrome b-positive, type 2. Also called: GRANULOMATOUS DISEASE, CHRONIC, DUE TO NCF2 DEFICIENCY; GRANULOMATOUS DISEASE, CHRONIC, AUTOSOMAL RECESSIVE, 2; Chronic granulomatous disease due to deficiency of NCF-2; Chronic Granulomatous Disease, Autosomal Recessive, Cytochrome b-Positive, Type II; CGD, AUTOSOMAL RECESSIVE CYTOCHROME b-POSITIVE, TYPE II. Identifiers: Orphanet 379, MedGen C1856245, MONDO:0009310, OMIM 233710.

Allele frequency attached by ClinVar (database versions not stated): gnomAD 0.00001; ExAC 0.00002; TOPMed below 0.00001.
gnomAD v4.1: 13 of 1,614,086 alleles (0.00081%); highest among the groups gnomAD compares: Admixed American, 0.0033%; no homozygotes.

Submissions (3):

Labcorp Genetics (formerly Invitae), Labcorp
Classification: Uncertain significance for Granulomatous disease, chronic, autosomal recessive, cytochrome b-positive, type 2. Last evaluated: 2024-10-08. Review status: criteria provided, single submitter. Criteria: Invitae Variant Classification Sherloc (09022015). Collection method: clinical testing. Allele origin: germline.
Comment: This sequence change replaces threonine, which is neutral and polar, with methionine, which is neutral and non-polar, at codon 148 of the NCF2 protein (p.Thr148Met). This variant is present in population databases (rs764142541, gnomAD 0.003%). This variant has not been reported in the literature in individuals affected with NCF2-related conditions. ClinVar contains an entry for this variant (Variation ID: 294085). Invitae Evidence Modeling of protein sequence and biophysical properties (such as structural, functional, and spatial information, amino acid conservation, physicochemical variation, residue mobility, and thermodynamic stability) indicates that this missense variant is not expected to disrupt NCF2 protein function with a negative predictive value of 80%. In summary, the available evidence is currently insufficient to determine the role of this variant in disease. Therefore, it has been classified as a Variant of Uncertain Significance.

Blueprint Genetics
Classification: Likely benign. Last evaluated: 2023-08-24. Review status: criteria provided, single submitter. Criteria: ACMG Guidelines, 2015. Collection method: clinical testing. Allele origin: germline.

Illumina Laboratory Services, Illumina
Classification: Uncertain significance for Granulomatous disease, chronic, autosomal recessive, cytochrome b-positive, type 2. Last evaluated: 2018-01-13. Review status: criteria provided, single submitter. Criteria: ICSL Variant Classification Criteria 13 December 2019. Collection method: clinical testing. Allele origin: germline.

NM_000433.4(NCF2):c.443C>T (p.Thr148Met)

Gene: NCF2 (neutrophil cytosolic factor 2; minus strand). Cytogenetic location: 1q25.3.
Variant type: single nucleotide variant.
Coding change: c.443C>T on transcript NM_000433.4 (MANE Select); coding-DNA position 443, C replaced by T.
Protein change: p.Thr148Met; replaces threonine 148 with methionine.
Molecular consequence: missense variant. On other transcripts: intron variant (2).
Genome position (GRCh38, 1-based): chr1:183,574,545, G>A on the plus strand (C>T on the coding strand, the complement: NCF2 is on the minus strand). VCF-style: chr1-183574545-G-A. GRCh37 (hg19) VCF-style: chr1-183543680-G-A.
Other names: c.443C>T, p.Thr148Met (NM_001127651.3); c.366+3054C>T (NM_001190789.2); c.367-1253C>T (NM_001190794.2); short protein forms T148M.
Identifiers: ClinVar variation 294085 (VCV000294085.8), dbSNP rs764142541, ClinGen allele CA1284970.